The following is an entry in ClinVar:

NM_170606.3(KMT2C):c.2563C>T (p.Pro855Ser)

Gene: KMT2C (lysine methyltransferase 2C; minus strand). Cytogenetic location: 7q36.1.
Variant type: single nucleotide variant.
Coding change: c.2563C>T on transcript NM_170606.3 (MANE Select); coding-DNA position 2563, C replaced by T.
Protein change: p.Pro855Ser; replaces proline 855 with serine.
Molecular consequence: missense variant.
Genome position (GRCh38, 1-based): chr7:152,238,796, G>A on the plus strand (C>T on the coding strand, the complement: KMT2C is on the minus strand). VCF-style: chr7-152238796-G-A. GRCh37 (hg19) VCF-style: chr7-151935881-G-A.
Other names: short protein forms P855S.
Identifiers: ClinVar variation 2006329 (VCV002006329.4), dbSNP rs771681097, ClinGen allele CA4581132.

ClinVar aggregate classification (germline): Uncertain significance (1 of 4 stars; one submission).

gnomAD v4.1: 1 of 1,608,780 alleles (0.000062%); highest among the groups gnomAD compares: Non-Finnish European, 0.000085%; no homozygotes.

Submission:

Labcorp Genetics (formerly Invitae), Labcorp
Classification: Uncertain significance. Last evaluated: 2023-12-16. Review status: criteria provided, single submitter. Criteria: Invitae Variant Classification Sherloc (09022015). Collection method: clinical testing. Allele origin: germline.
Comment: This sequence change replaces proline, which is neutral and non-polar, with serine, which is neutral and polar, at codon 855 of the KMT2C protein (p.Pro855Ser). This variant is present in population databases (rs771681097, gnomAD 0.0009%). This variant has not been reported in the literature in individuals affected with KMT2C-related conditions. ClinVar contains an entry for this variant (Variation ID: 2006329). Advanced modeling of protein sequence and biophysical properties (such as structural, functional, and spatial information, amino acid conservation, physicochemical variation, residue mobility, and thermodynamic stability) performed at Invitae indicates that this missense variant is not expected to disrupt KMT2C protein function with a negative predictive value of 80%. In summary, the available evidence is currently insufficient to determine the role of this variant in disease. Therefore, it has been classified as a Variant of Uncertain Significance.